The following is an entry in ClinVar:

ClinVar aggregate classification (germline): Pathogenic. Review status: criteria provided, multiple submitters, no conflicts (2 of 4 stars). 2 submissions from 2 submitters: Pathogenic (2). Last evaluated 2023-05-11.

Conditions:
Hereditary cancer-predisposing syndrome. Also called: Neoplastic Syndromes, Hereditary; Tumor predisposition; Hereditary neoplastic syndrome; Hereditary Cancer Syndrome. Identifiers: Orphanet 140162, MedGen C0027672, MeSH D009386, MONDO:0015356.
Familial adenomatous polyposis 1 (FAP1). Also called: POLYPOSIS, ADENOMATOUS INTESTINAL; FAMILIAL ADENOMATOUS POLYPOSIS 1, ATTENUATED. Identifiers: MedGen C2713442, MONDO:0021056, OMIM 175100. Disease mechanism: loss of function.

Submissions (2):

Myriad Genetics, Inc.
Classification: Pathogenic for Familial adenomatous polyposis 1. Last evaluated: 2023-05-11. Review status: criteria provided, single submitter. Criteria: Myriad Autosomal Dominant, Autosomal Recessive and X-Linked Classification Criteria (2023). Collection method: clinical testing. Allele origin: unknown.
Comment: This variant is considered pathogenic. This variant creates a frameshift predicted to result in premature protein truncation.

Ambry Genetics
Classification: Pathogenic for Hereditary cancer-predisposing syndrome. Last evaluated: 2019-01-10. Review status: criteria provided, single submitter. Criteria: Ambry Variant Classification Scheme 2023. Collection method: clinical testing. Allele origin: germline.
Comment: The c.4604dupA pathogenic mutation, located in coding exon 15 of the APC gene, results from a duplication of A at nucleotide position 4604, causing a translational frameshift with a predicted alternate stop codon (p.N1535Kfs*2). This alteration is expected to result in loss of function by premature protein truncation. As such, this alteration is interpreted as a disease-causing mutation.

NM_000038.6(APC):c.4604dup (p.Asn1535fs)

Gene: APC (APC regulator of Wnt signaling pathway; plus strand). Cytogenetic location: 5q22.2.
Variant type: Duplication.
Coding change: c.4604dup on transcript NM_000038.6 (MANE Select); coding-DNA position 4604, one base duplicated (A; older notation c.4604dupA).
Protein change: p.Asn1535fs; shifts the reading frame from asparagine 1535.
Molecular consequence: frameshift variant.
Genome position (GRCh38, 1-based): chr5:112,840,198, A duplicated; the last of 2 consecutive A bases (chr5:112,840,197-112,840,198); duplicating either gives the same sequence. VCF-style (leftmost placement, unchanged base first): chr5-112840196-G-GA. GRCh37 (hg19) VCF-style: chr5-112175893-G-GA.
Other names: c.4604dup, p.Asn1535fs (NM_001127510.3, NM_001354895.2); c.4550dup, p.Asn1517fs (NM_001127511.3); c.4658dup, p.Asn1553fs (NM_001354896.2); c.4634dup, p.Asn1545fs (NM_001354897.2); c.4529dup, p.Asn1510fs (NM_001354898.2); c.4520dup, p.Asn1507fs (NM_001354899.2); c.4481dup, p.Asn1494fs (NM_001354900.2); c.4427dup, p.Asn1476fs (NM_001354901.2); and 5 more; short protein forms N1252fs, N1535fs, N1545fs, N1553fs, N1409fs, N1434fs, N1494fs, N1507fs.
Identifiers: ClinVar variation 825037 (VCV000825037.6), dbSNP rs1580650175, ClinGen allele CA915943495.